The following is an entry in ClinVar:

ClinVar aggregate classification (germline): Conflicting classifications of pathogenicity. Review status: criteria provided, conflicting classifications (1 of 4 stars). 3 submissions from 3 submitters: Likely pathogenic (1); Uncertain significance (2). Last evaluated 2026-03-09.

Conditions:
RHO-related disorder. Also called: RHO-related condition.

Allele frequency attached by ClinVar (database versions not stated): gnomAD exomes below 0.00001; ExAC 0.00001; TOPMed 0.00001; ESP Exome Variant Server 0.00008.

Submissions (3):

PreventionGenetics, part of Exact Sciences
Classification: Uncertain significance for RHO-related condition. Last evaluated: 2026-03-09. Review status: criteria provided, single submitter. Criteria: ACMG Guidelines, 2015. Collection method: clinical testing. Allele origin: germline.
Comment: The RHO c.557C>T variant is predicted to result in the amino acid substitution p.Ser186Leu. This variant has been reported in a Chinese family with congenital stationary night blindness (Ling et al. 2009.); However, the genotype information of the eight affected family members were not described. This variant is reported in 0.00088% of alleles in individuals of European (Non-Finnish) descent in gnomAD. Other missense variants affecting the same amino acid, p.(Ser186Trp) and p.(Ser186Pro), have been reported in individuals with retinitis pigmentosa (for example, Table S2, Weisschuh et al. 2020. PubMed ID: 32531858; Table S2, Xiao et al. 2021. PubMed ID: 33598457; Martin-Merida et al. 2018. PubMed ID: 29847639). Although we suspect that this variant may be pathogenic, at this time, the clinical significance of this variant is uncertain due to the absence of conclusive functional and genetic evidence.

Blueprint Genetics
Classification: Likely pathogenic for RHO-related disorders. Last evaluated: 2022-11-18. Review status: criteria provided, single submitter. Criteria: ACMG Guidelines, 2015. Collection method: clinical testing. Allele origin: germline. Affected: yes. Observed: 1 variant allele.

Labcorp Genetics (formerly Invitae), Labcorp
Classification: Uncertain significance. Last evaluated: 2022-03-10. Review status: criteria provided, single submitter. Criteria: Invitae Variant Classification Sherloc (09022015). Collection method: clinical testing. Allele origin: germline.
Comment: In summary, the available evidence is currently insufficient to determine the role of this variant in disease. Therefore, it has been classified as a Variant of Uncertain Significance. This variant disrupts the p.Ser186 amino acid residue in RHO. Other variant(s) that disrupt this residue have been observed in individuals with RHO-related conditions (PMID: 1833777, 19958124, 33598457), which suggests that this may be a clinically significant amino acid residue. Advanced modeling of protein sequence and biophysical properties (such as structural, functional, and spatial information, amino acid conservation, physicochemical variation, residue mobility, and thermodynamic stability) performed at Invitae indicates that this missense variant is expected to disrupt RHO protein function. This variant has not been reported in the literature in individuals affected with RHO-related conditions. This variant is present in population databases (rs371288618, gnomAD 0.0009%). This sequence change replaces serine, which is neutral and polar, with leucine, which is neutral and non-polar, at codon 186 of the RHO protein (p.Ser186Leu).

Literature cited by the submitters: PubMed 1833777 (cited by Labcorp Genetics (formerly Invitae), Labcorp); PubMed 19958124 (cited by Labcorp Genetics (formerly Invitae), Labcorp); PubMed 33598457 (cited by Labcorp Genetics (formerly Invitae), Labcorp).

NM_000539.3(RHO):c.557C>T (p.Ser186Leu)

Gene: RHO (rhodopsin; plus strand). Cytogenetic location: 3q22.1.
Variant type: single nucleotide variant.
Coding change: c.557C>T on transcript NM_000539.3 (MANE Select); coding-DNA position 557, C replaced by T.
Protein change: p.Ser186Leu; replaces serine 186 with leucine.
Molecular consequence: missense variant.
Genome position (GRCh38, 1-based): chr3:129,532,277, C>T. VCF-style: chr3-129532277-C-T. GRCh37 (hg19) VCF-style: chr3-129251120-C-T.
Other names: short protein forms S186L.
Identifiers: ClinVar variation 1365240 (VCV001365240.8), dbSNP rs371288618, ClinGen allele CA2607205.